The following is an entry in ClinVar:

NM_001166108.2(PALLD):c.3287C>G (p.Ala1096Gly)

Genes: CBR4 (carbonyl reductase 4; minus strand), PALLD (palladin, cytoskeletal associated protein; plus strand). Cytogenetic location: 4q32.3.
Variant type: single nucleotide variant.
Coding change: c.3287C>G on transcript NM_001166108.2 (MANE Select); coding-DNA position 3287, C replaced by G.
Protein change: p.Ala1096Gly; replaces alanine 1096 with glycine.
Molecular consequence: missense variant.
Genome position (GRCh38, 1-based): chr4:168,925,007, C>G. VCF-style: chr4-168925007-C-G. GRCh37 (hg19) VCF-style: chr4-169846158-C-G.
Other names: c.2090C>G, p.Ala697Gly (NM_001166109.2); c.1775C>G, p.Ala592Gly (NM_001166110.2); c.1115C>G, p.Ala372Gly (NM_001367567.1, NM_001367569.1); c.1166C>G, p.Ala389Gly (NM_001367568.1, NM_001367570.1); c.3236C>G, p.Ala1079Gly (NM_016081.4); short protein forms A1079G, A1096G, A372G, A389G, A592G, A697G.
Identifiers: ClinVar variation 3226804 (VCV003226804.1), dbSNP rs2534268281, ClinGen allele CA358713894.

ClinVar aggregate classification (germline): Uncertain significance (1 of 4 stars; one submission).

Submission:

Ambry Genetics
Classification: Uncertain significance. Last evaluated: 2023-12-10. Review status: criteria provided, single submitter. Criteria: Ambry Variant Classification Scheme 2023. Collection method: clinical testing. Allele origin: germline.
Comment: The p.A1079G variant (also known as c.3236C>G), located in coding exon 18 of the PALLD gene, results from a C to G substitution at nucleotide position 3236. The alanine at codon 1079 is replaced by glycine, an amino acid with similar properties. This amino acid position is conserved. In addition, the in silico prediction for this alteration is inconclusive. Since supporting evidence is limited at this time, the clinical significance of this alteration remains unclear.